The following is an entry in ClinVar:

NM_005732.4(RAD50):c.3117ACA[1] (p.Gln1040del)

Gene: RAD50 (RAD50 double strand break repair protein; plus strand). Cytogenetic location: 5q31.1.
Variant type: Microsatellite.
Coding change: c.3117ACA[1] on transcript NM_005732.4 (MANE Select); one copy of the 3-base unit ACA starting at c.3117; the reference has two copies in a row; one copy, 3 bases deleted.
Protein change: p.Gln1040del; deletes glutamine 1040.
Molecular consequence: inframe deletion.
Genome position (GRCh38, 1-based): chr5:132,616,086-132,616,088, ACA deleted; deleting any 3 consecutive bases within chr5:132,616,082-132,616,088 gives the same sequence; the position shown is the placement nearest the transcript's 3' end. VCF-style (leftmost placement, unchanged base first): chr5-132616081-AAAC-A. GRCh37 (hg19) VCF-style: chr5-131951773-AAAC-A.
Other names: short protein forms Q1040del.
Identifiers: ClinVar variation 480406 (VCV000480406.9), dbSNP rs1554099793, ClinGen allele CA658657533.

ClinVar aggregate classification (germline): Uncertain significance. Review status: criteria provided, multiple submitters, no conflicts (2 of 4 stars). 2 submissions from 2 submitters: Uncertain significance (2). Last evaluated 2025-08-14.

Conditions:
Hereditary cancer-predisposing syndrome. Also called: Hereditary Cancer Syndrome; Neoplastic Syndromes, Hereditary; Tumor predisposition; Hereditary neoplastic syndrome. Identifiers: Orphanet 140162, MedGen C0027672, MeSH D009386, MONDO:0015356.

Submissions (2):

Ambry Genetics
Classification: Uncertain significance for Hereditary cancer-predisposing syndrome. Last evaluated: 2025-08-14. Review status: criteria provided, single submitter. Criteria: Ambry Variant Classification Scheme 2023. Collection method: clinical testing. Allele origin: germline.
Comment: The c.3120_3122delACA variant (also known as p.Q1040del) is located in coding exon 20 of the RAD50 gene. This variant results from an in-frame ACA deletion at nucleotide positions 3120 to 3122. This results in the in-frame deletion of a glutamine at codon 1040. This amino acid position is well conserved in available vertebrate species. In addition, this alteration is predicted to be neutral by in silico analysis (Choi Y et al. PLoS ONE. 2012; 7(10):e46688). Based on the available evidence, the clinical significance of this variant remains unclear.

Labcorp Genetics (formerly Invitae), Labcorp
Classification: Uncertain significance for Hereditary cancer-predisposing syndrome. Last evaluated: 2023-10-17. Review status: criteria provided, single submitter. Criteria: Invitae Variant Classification Sherloc (09022015). Collection method: clinical testing. Allele origin: germline.
Comment: This variant, c.3120_3122del, results in the deletion of 1 amino acid(s) of the RAD50 protein (p.Gln1040del), but otherwise preserves the integrity of the reading frame. This variant is not present in population databases (gnomAD no frequency). This variant has not been reported in the literature in individuals affected with RAD50-related conditions. ClinVar contains an entry for this variant (Variation ID: 480406). Experimental studies and prediction algorithms are not available or were not evaluated, and the functional significance of this variant is currently unknown. In summary, the available evidence is currently insufficient to determine the role of this variant in disease. Therefore, it has been classified as a Variant of Uncertain Significance.